The following is an entry in ClinVar:

ClinVar aggregate classification (germline): Uncertain significance. Review status: criteria provided, multiple submitters, no conflicts (2 of 4 stars). 2 submissions from 2 submitters: Uncertain significance (2). Last evaluated 2024-11-11.

Conditions:
Perrault syndrome. Also called: Gonadal dysgenesis with auditory dysfunction, autosomal recessive inheritance. Identifiers: Orphanet 2855, MedGen C0685838, MONDO:0017312.
Bifunctional peroxisomal enzyme deficiency (DBIF). Also called: D-bifunctional protein deficiency; DBP DEFICIENCY; PBFE DEFICIENCY. Identifiers: Orphanet 300, MedGen C0342870, MONDO:0009855, OMIM 261515. Disease mechanism: loss of function.

Allele frequency attached by ClinVar (database versions not stated): gnomAD exomes 0.00001; ExAC 0.00002.
gnomAD v4.1: 4 of 1,613,042 alleles (0.00025%); highest among the groups gnomAD compares: Non-Finnish European, 0.00034%; no homozygotes.

Submissions (2):

Labcorp Genetics (formerly Invitae), Labcorp
Classification: Uncertain significance for Perrault syndrome; Bifunctional peroxisomal enzyme deficiency. Last evaluated: 2024-11-11. Review status: criteria provided, single submitter. Criteria: Invitae Variant Classification Sherloc (09022015). Collection method: clinical testing. Allele origin: germline.
Comment: This sequence change replaces glutamine, which is neutral and polar, with arginine, which is basic and polar, at codon 727 of the HSD17B4 protein (p.Gln727Arg). This variant is present in population databases (rs766910805, gnomAD 0.0009%). This variant has not been reported in the literature in individuals affected with HSD17B4-related conditions. ClinVar contains an entry for this variant (Variation ID: 1421935). Invitae Evidence Modeling of protein sequence and biophysical properties (such as structural, functional, and spatial information, amino acid conservation, physicochemical variation, residue mobility, and thermodynamic stability) indicates that this missense variant is not expected to disrupt HSD17B4 protein function with a negative predictive value of 95%. In summary, the available evidence is currently insufficient to determine the role of this variant in disease. Therefore, it has been classified as a Variant of Uncertain Significance.

Blueprint Genetics
Classification: Uncertain significance. Last evaluated: 2024-10-16. Review status: criteria provided, single submitter. Criteria: ACMG Guidelines, 2015. Collection method: clinical testing. Allele origin: germline.

NM_000414.4(HSD17B4):c.2180A>G (p.Gln727Arg)

Gene: HSD17B4 (hydroxysteroid 17-beta dehydrogenase 4; plus strand). Cytogenetic location: 5q23.1.
Variant type: single nucleotide variant.
Coding change: c.2180A>G on transcript NM_000414.4 (MANE Select); coding-DNA position 2180, A replaced by G.
Protein change: p.Gln727Arg; replaces glutamine 727 with arginine.
Molecular consequence: missense variant. On other transcripts: non-coding transcript variant (2).
Genome position (GRCh38, 1-based): chr5:119,541,963, A>G. VCF-style: chr5-119541963-A-G. GRCh37 (hg19) VCF-style: chr5-118877658-A-G.
Other names: c.1760A>G, p.Gln587Arg (NM_001292028.2); c.2171A>G, p.Gln724Arg (NM_001374497.1); c.1739A>G, p.Gln580Arg (NM_001374500.1); c.1769A>G, p.Gln590Arg (NM_001374501.1, NM_001374502.1, NM_001374503.1); c.2108A>G, p.Gln703Arg (NM_001374498.1, NM_001292027.2); c.1853A>G, p.Gln618Arg (NM_001374499.1); c.2255A>G, p.Gln752Arg (NM_001199291.3); c.2126A>G, p.Gln709Arg (NM_001199292.2); short protein forms Q590R, Q618R, Q752R, Q587R, Q703R, Q709R, Q724R, Q580R.
Identifiers: ClinVar variation 1421935 (VCV001421935.7), dbSNP rs766910805, ClinGen allele CA3382537.